The following is an entry in ClinVar:

NM_173354.5(SIK1):c.1175A>G (p.Gln392Arg)

Gene: SIK1 (salt inducible kinase 1; minus strand). Cytogenetic location: 21q22.3.
Variant type: single nucleotide variant.
Coding change: c.1175A>G on transcript NM_173354.5 (MANE Select); coding-DNA position 1175, A replaced by G.
Protein change: p.Gln392Arg; replaces glutamine 392 with arginine.
Molecular consequence: missense variant.
Genome position (GRCh38, 1-based): chr21:43,419,423, T>C on the plus strand (A>G on the coding strand, the complement: SIK1 is on the minus strand). VCF-style: chr21-43419423-T-C. GRCh37 (hg19) VCF-style: chr21-44839303-T-C.
Other names: short protein forms Q392R.
Identifiers: ClinVar variation 2973067 (VCV002973067.3), dbSNP rs2516966122, ClinGen allele CA410608576.
Genomic context (GRCh38, chr21:43,419,423, plus strand): 5'-GAGCTCTGGAGCTCACAGTCCATCTCGGCCTGGAGGACGGACTGCACCAAGGTCTGCGGC[T>C]GCGGGCACAGCAAGGCAGGTCGGAAAGGGTCGGTGGAAAGACCTTCCTGAGGCACCTGGG-3'
Protein context (NP_775490.2, residues 382-402): DPFRPALLCP[Gln392Arg]PQTLVQSVLQ

ClinVar aggregate classification (germline): Uncertain significance (1 of 4 stars; one submission).

Conditions:
Developmental and epileptic encephalopathy, 30 (DEE30). Also called: Epileptic encephalopathy, early infantile, 30. Identifiers: MedGen C4225360, MONDO:0014595, OMIM 616341.

Submission:

Labcorp Genetics (formerly Invitae), Labcorp
Classification: Uncertain significance for Developmental and epileptic encephalopathy, 30. Last evaluated: 2023-09-27. Review status: criteria provided, single submitter. Criteria: Invitae Variant Classification Sherloc (09022015). Collection method: clinical testing. Allele origin: germline.
Comment: This variant is not present in population databases (gnomAD no frequency). This sequence change replaces glutamine, which is neutral and polar, with arginine, which is basic and polar, at codon 392 of the SIK1 protein (p.Gln392Arg). This variant has not been reported in the literature in individuals affected with SIK1-related conditions. Advanced modeling of protein sequence and biophysical properties (such as structural, functional, and spatial information, amino acid conservation, physicochemical variation, residue mobility, and thermodynamic stability) performed at Invitae indicates that this missense variant is not expected to disrupt SIK1 protein function. Algorithms developed to predict the effect of sequence changes on RNA splicing suggest that this variant may disrupt the consensus splice site. In summary, the available evidence is currently insufficient to determine the role of this variant in disease. Therefore, it has been classified as a Variant of Uncertain Significance.